The following is an entry in ClinVar:

NM_001001557.4(GDF6):c.31G>A (p.Val11Ile)

Gene: GDF6 (growth differentiation factor 6; minus strand). Cytogenetic location: 8q22.1.
Variant type: single nucleotide variant.
Coding change: c.31G>A on transcript NM_001001557.4 (MANE Select); coding-DNA position 31, G replaced by A.
Protein change: p.Val11Ile; replaces valine 11 with isoleucine.
Molecular consequence: missense variant.
Genome position (GRCh38, 1-based): chr8:96,160,662, C>T on the plus strand (G>A on the coding strand, the complement: GDF6 is on the minus strand). VCF-style: chr8-96160662-C-T. GRCh37 (hg19) VCF-style: chr8-97172890-C-T.
Other names: c.31G>A (NM_001001557.2); short protein forms V11I.
Identifiers: ClinVar variation 1053446 (VCV001053446.9), dbSNP rs1812745847, ClinGen allele CA371754102.

ClinVar aggregate classification (germline): Uncertain significance. Review status: criteria provided, multiple submitters, no conflicts (2 of 4 stars). 2 submissions from 2 submitters: Uncertain significance (2). Last evaluated 2025-11-25.

Conditions:
Inborn genetic diseases. Identifiers: MedGen C0950123, MeSH D030342.
Microphthalmia, isolated, with coloboma 6 (MCOPCB6). Also called: MICROPHTHALMIA/COLOBOMA 6; Microphthalmia with coloboma 6, digenic; Microphthalmia with coloboma 6. Identifiers: Orphanet 98938, MedGen C3150968, MONDO:0013376, OMIM 613703.
Klippel-Feil syndrome 1, autosomal dominant (KFS1). Also called: CERVICAL VERTEBRAL FUSION, AUTOSOMAL DOMINANT. Identifiers: Orphanet 2345, MedGen C1861689, MONDO:0007306, OMIM 118100.
Leber congenital amaurosis 17 (LCA17). Identifiers: Orphanet 65, MedGen C3715164, MONDO:0014145, OMIM 615360.
Isolated microphthalmia 4. Identifiers: Orphanet 2542, MedGen C2751307, MONDO:0013130, OMIM 613094.

Submissions (2):

Ambry Genetics
Classification: Uncertain significance for Inborn genetic diseases. Last evaluated: 2025-11-25. Review status: criteria provided, single submitter. Criteria: Ambry Variant Classification Scheme 2023. Collection method: clinical testing. Allele origin: germline.

Labcorp Genetics (formerly Invitae), Labcorp
Classification: Uncertain significance for Isolated microphthalmia 4; Leber congenital amaurosis 17; Klippel-Feil syndrome 1, autosomal dominant; Microphthalmia, isolated, with coloboma 6. Last evaluated: 2022-09-06. Review status: criteria provided, single submitter. Criteria: Invitae Variant Classification Sherloc (09022015). Collection method: clinical testing. Allele origin: germline.
Comment: ClinVar contains an entry for this variant (Variation ID: 1053446). In summary, the available evidence is currently insufficient to determine the role of this variant in disease. Therefore, it has been classified as a Variant of Uncertain Significance. Algorithms developed to predict the effect of missense changes on protein structure and function output the following: SIFT: "Tolerated"; PolyPhen-2: "Benign"; Align-GVGD: "Class C0". The isoleucine amino acid residue is found in multiple mammalian species, which suggests that this missense change does not adversely affect protein function. This variant has not been reported in the literature in individuals affected with GDF6-related conditions. This variant is not present in population databases (gnomAD no frequency). This sequence change replaces valine, which is neutral and non-polar, with isoleucine, which is neutral and non-polar, at codon 11 of the GDF6 protein (p.Val11Ile).